The following is an entry in ClinVar:

ClinVar aggregate classification (germline): Pathogenic (1 of 4 stars; one submission).

Submission:

Labcorp Genetics (formerly Invitae), Labcorp
Classification: Pathogenic. Last evaluated: 2023-05-10. Review status: criteria provided, single submitter. Criteria: Invitae Variant Classification Sherloc (09022015). Collection method: clinical testing. Allele origin: germline.
Comment: This sequence change affects an acceptor splice site in intron 12 of the ABCA4 gene. It is expected to disrupt RNA splicing. Variants that disrupt the donor or acceptor splice site typically lead to a loss of protein function (PMID: 16199547), and loss-of-function variants in ABCA4 are known to be pathogenic (PMID: 10958761, 24938718, 25312043, 26780318). For these reasons, this variant has been classified as Pathogenic. Algorithms developed to predict the effect of sequence changes on RNA splicing suggest that this variant may disrupt the consensus splice site. Disruption of this splice site has been observed in individual(s) with cone-rod dystrophy (PMID: 26780318). In at least one individual the data is consistent with being in trans (on the opposite chromosome) from a pathogenic variant. This variant is not present in population databases (gnomAD no frequency).

Literature cited by the submitters: PubMed 16199547; PubMed 10958761; PubMed 24938718; PubMed 25312043; PubMed 26780318.

NM_000350.3(ABCA4):c.1761-1G>A

Gene: ABCA4 (ATP binding cassette subfamily A member 4; minus strand). Cytogenetic location: 1p22.1.
Variant type: single nucleotide variant.
Coding change: c.1761-1G>A on transcript NM_000350.3 (MANE Select); the canonical splice acceptor site of the intron before coding-DNA position 1761, G replaced by A.
Molecular consequence: splice acceptor variant.
Genome position (GRCh38, 1-based): chr1:94,062,754, C>T on the plus strand (G>A on the coding strand, the complement: ABCA4 is on the minus strand). VCF-style: chr1-94062754-C-T. GRCh37 (hg19) VCF-style: chr1-94528310-C-T.
Identifiers: ClinVar variation 2863151 (VCV002863151.3), dbSNP rs2523841936, ClinGen allele CA341279812.